The following is an entry in ClinVar:

NM_001261826.3(AP3D1):c.1989A>G (p.Glu663=)

Gene: AP3D1 (adaptor related protein complex 3 subunit delta 1; minus strand). Cytogenetic location: 19p13.3.
Variant type: single nucleotide variant.
Coding change: c.1989A>G on transcript NM_001261826.3 (MANE Select); coding-DNA position 1989, A replaced by G.
Protein change: p.Glu663=; no amino-acid change (glutamic acid 663 retained).
Molecular consequence: synonymous variant.
Genome position (GRCh38, 1-based): chr19:2,116,617, T>C on the plus strand (A>G on the coding strand, the complement: AP3D1 is on the minus strand). VCF-style: chr19-2116617-T-C. GRCh37 (hg19) VCF-style: chr19-2116616-T-C.
Other names: p.Glu663=; c.1989A>G, p.Glu663= (NM_001374799.1, NM_003938.8).
Identifiers: ClinVar variation 721043 (VCV000721043.15), dbSNP rs73512353, ClinGen allele CA9059093.

ClinVar aggregate classification (germline): Benign. Review status: criteria provided, multiple submitters, no conflicts (2 of 4 stars). 4 submissions from 4 submitters: Benign (3). 1 of the submissions does not count toward it. Last evaluated 2026-02-01.

Conditions:
AP3D1-related disorder. Also called: AP3D1-related condition.

Allele frequency attached by ClinVar (database versions not stated): gnomAD exomes 0.00062 and 0.00127; ExAC 0.00254; ESP Exome Variant Server 0.00512; gnomAD 0.00619 and 0.00652; TOPMed 0.00694; 1000 Genomes Project 0.00759; 1000 Genomes Project 30x 0.00765.
gnomAD v4.1: 1,884 of 1,596,152 alleles (0.12%); highest among the groups gnomAD compares: African/African-American, 2.1%; 15 homozygotes.

Submissions (4):

Labcorp Genetics (formerly Invitae), Labcorp
Classification: Benign. Last evaluated: 2026-02-01. Review status: criteria provided, single submitter. Criteria: Invitae Variant Classification Sherloc (09022015). Collection method: clinical testing. Allele origin: germline.

Mayo Clinic Laboratories, Mayo Clinic
Classification: Benign. Last evaluated: 2024-01-29. Review status: criteria provided, single submitter. Criteria: ACMG Guidelines, 2015. Collection method: clinical testing. Allele origin: germline. Observed: 8 variant alleles.
Comment: BS1, BS2, BP4, BP7

Breakthrough Genomics
Classification: Benign. Review status: criteria provided, single submitter. Criteria: ACMG Guidelines, 2015. Collection method: not provided. Allele origin: germline. Inheritance: Autosomal recessive inheritance. Affected: yes.

PreventionGenetics, part of Exact Sciences
Classification: Benign for AP3D1-related condition. Last evaluated: 2019-07-08. Review status: no assertion criteria provided. Collection method: clinical testing. Allele origin: germline. Not counted in ClinVar's aggregate classification.
Comment: This variant is classified as benign based on ACMG/AMP sequence variant interpretation guidelines (Richards et al. 2015 PMID: 25741868, with internal and published modifications).